The following is an entry in ClinVar:

NM_177438.3(DICER1):c.5545G>A (p.Val1849Ile)

Gene: DICER1 (dicer 1, ribonuclease III; minus strand). Cytogenetic location: 14q32.13.
Variant type: single nucleotide variant.
Coding change: c.5545G>A on transcript NM_177438.3 (MANE Select); coding-DNA position 5545, G replaced by A.
Protein change: p.Val1849Ile; replaces valine 1849 with isoleucine.
Molecular consequence: missense variant.
Genome position (GRCh38, 1-based): chr14:95,091,092, C>T on the plus strand (G>A on the coding strand, the complement: DICER1 is on the minus strand). VCF-style: chr14-95091092-C-T. GRCh37 (hg19) VCF-style: chr14-95557429-C-T.
Other names: c.5382G>A, p.Met1794Ile (NM_001195573.1); c.5545G>A, p.Val1849Ile (NM_001271282.3, NM_001291628.2, NM_030621.4); short protein forms V1849I, M1794I.
Identifiers: ClinVar variation 850385 (VCV000850385.11), dbSNP rs1889765099, ClinGen allele CA390864355.

ClinVar aggregate classification (germline): Uncertain significance. Review status: criteria provided, multiple submitters, no conflicts (2 of 4 stars). 2 submissions from 2 submitters: Uncertain significance (2). Last evaluated 2025-10-09.

Conditions:
Hereditary cancer-predisposing syndrome. Also called: Neoplastic Syndromes, Hereditary; Hereditary Cancer Syndrome; Hereditary neoplastic syndrome; Tumor predisposition. Identifiers: Orphanet 140162, MedGen C0027672, MeSH D009386, MONDO:0015356.
DICER1-related tumor predisposition. Also called: DICER1 syndrome; DICER1-related pleuropulmonary blastoma cancer predisposition syndrome. Identifiers: Orphanet 284343, MedGen C3839822, MONDO:0100216.

Submissions (2):

Ambry Genetics
Classification: Uncertain significance for Hereditary cancer-predisposing syndrome. Last evaluated: 2025-10-09. Review status: criteria provided, single submitter. Criteria: Ambry Variant Classification Scheme 2023. Collection method: clinical testing. Allele origin: germline.
Comment: The p.V1849I variant (also known as c.5545G>A), located in coding exon 25 of the DICER1 gene, results from a G to A substitution at nucleotide position 5545. The valine at codon 1849 is replaced by isoleucine, an amino acid with highly similar properties. This amino acid position is conserved. In addition, this alteration is predicted to be tolerated by in silico analysis. Based on the available evidence, the clinical significance of this variant remains unclear.

Labcorp Genetics (formerly Invitae), Labcorp
Classification: Uncertain significance for DICER1-related tumor predisposition. Last evaluated: 2025-08-24. Review status: criteria provided, single submitter. Criteria: Invitae Variant Classification Sherloc (09022015). Collection method: clinical testing. Allele origin: germline.
Comment: This sequence change replaces valine, which is neutral and non-polar, with isoleucine, which is neutral and non-polar, at codon 1849 of the DICER1 protein (p.Val1849Ile). This variant is not present in population databases (gnomAD no frequency). This variant has not been reported in the literature in individuals affected with DICER1-related conditions. ClinVar contains an entry for this variant (Variation ID: 850385). Invitae Evidence Modeling of protein sequence and biophysical properties (such as structural, functional, and spatial information, amino acid conservation, physicochemical variation, residue mobility, and thermodynamic stability) indicates that this missense variant is not expected to disrupt DICER1 protein function with a negative predictive value of 95%. In summary, the available evidence is currently insufficient to determine the role of this variant in disease. Therefore, it has been classified as a Variant of Uncertain Significance.